The following is an entry in ClinVar:

ClinVar aggregate classification (germline): Conflicting classifications of pathogenicity. Review status: criteria provided, conflicting classifications (1 of 4 stars). 3 submissions from 3 submitters: Uncertain significance (2); Benign (1). Last evaluated 2024-04-03.

Conditions:
Hereditary cancer-predisposing syndrome. Also called: Hereditary Cancer Syndrome; Hereditary neoplastic syndrome; Neoplastic Syndromes, Hereditary; Tumor predisposition. Identifiers: Orphanet 140162, MedGen C0027672, MeSH D009386, MONDO:0015356.
BAP1-related tumor predisposition syndrome (TPDS1). Also called: COMMON Syndrome; TUMOR PREDISPOSITION SYNDROME 1; BAP1 tumor predisposition syndrome; Tumor susceptibility linked to germline BAP1 mutations. Identifiers: Orphanet 289539, MedGen C3280492, MONDO:0013692, OMIM 614327.

gnomAD v4.1: 14 of 1,614,178 alleles (0.00087%); highest among the groups gnomAD compares: South Asian, 0.013%; no homozygotes.

Submissions (3):

Ambry Genetics
Classification: Benign for Hereditary cancer-predisposing syndrome. Last evaluated: 2024-04-03. Review status: criteria provided, single submitter. Criteria: Ambry Variant Classification Scheme 2023. Collection method: clinical testing. Allele origin: germline.

GeneDx
Classification: Uncertain significance. Last evaluated: 2022-08-09. Review status: criteria provided, single submitter. Criteria: GeneDx Variant Classification Process June 2021. Collection method: clinical testing. Allele origin: germline. Affected: yes.
Comment: In silico analysis supports that this missense variant does not alter protein structure/function; Has not been previously published as pathogenic or benign to our knowledge

Labcorp Genetics (formerly Invitae), Labcorp
Classification: Uncertain significance for BAP1-related tumor predisposition syndrome. Last evaluated: 2022-01-17. Review status: criteria provided, single submitter. Criteria: Invitae Variant Classification Sherloc (09022015). Collection method: clinical testing. Allele origin: germline.
Comment: In summary, the available evidence is currently insufficient to determine the role of this variant in disease. Therefore, it has been classified as a Variant of Uncertain Significance. Algorithms developed to predict the effect of missense changes on protein structure and function are either unavailable or do not agree on the potential impact of this missense change (SIFT: "Tolerated"; PolyPhen-2: "Possibly Damaging"; Align-GVGD: "Class C0"). This variant has not been reported in the literature in individuals affected with BAP1-related conditions. This variant is present in population databases (rs758136052, gnomAD 0.02%). This sequence change replaces isoleucine, which is neutral and non-polar, with methionine, which is neutral and non-polar, at codon 511 of the BAP1 protein (p.Ile511Met).

NM_004656.4(BAP1):c.1533C>G (p.Ile511Met)

Gene: BAP1 (BRCA1 associated deubiquitinase 1; minus strand). Cytogenetic location: 3p21.1.
Variant type: single nucleotide variant.
Coding change: c.1533C>G on transcript NM_004656.4 (MANE Select); coding-DNA position 1533, C replaced by G.
Protein change: p.Ile511Met; replaces isoleucine 511 with methionine.
Molecular consequence: missense variant.
Genome position (GRCh38, 1-based): chr3:52,403,612, G>C on the plus strand (C>G on the coding strand, the complement: BAP1 is on the minus strand). VCF-style: chr3-52403612-G-C. GRCh37 (hg19) VCF-style: chr3-52437628-G-C.
Other names: c.1479C>G, p.Ile493Met (NM_001410772.1); c.1533C>G (NM_004656.3); short protein forms I493M, I511M.
Identifiers: ClinVar variation 1774667 (VCV001774667.9), dbSNP rs758136052, ClinGen allele CA2436786.